The following is an entry in ClinVar:

NM_005732.4(RAD50):c.3729A>C (p.Glu1243Asp)

Genes: TH2-LCR (Th2 cytokine locus control region; plus strand), RAD50 (RAD50 double strand break repair protein; plus strand), TH2LCRR (T helper type 2 locus control region associated RNA; minus strand). Cytogenetic location: 5q31.1.
Variant type: single nucleotide variant.
Coding change: c.3729A>C on transcript NM_005732.4 (MANE Select); coding-DNA position 3729, A replaced by C.
Protein change: p.Glu1243Asp; replaces glutamic acid 1243 with aspartic acid.
Molecular consequence: missense variant.
Genome position (GRCh38, 1-based): chr5:132,640,782, A>C. VCF-style: chr5-132640782-A-C. GRCh37 (hg19) VCF-style: chr5-131976474-A-C.
Other names: short protein forms E1243D.
Identifiers: ClinVar variation 484678 (VCV000484678.16), dbSNP rs760741207, ClinGen allele CA360934863.

ClinVar aggregate classification (germline): Uncertain significance. Review status: criteria provided, multiple submitters, no conflicts (2 of 4 stars). 2 submissions from 2 submitters: Uncertain significance (2). Last evaluated 2024-11-24.

Conditions:
Hereditary cancer-predisposing syndrome. Also called: Neoplastic Syndromes, Hereditary; Tumor predisposition; Hereditary Cancer Syndrome; Hereditary neoplastic syndrome. Identifiers: Orphanet 140162, MedGen C0027672, MeSH D009386, MONDO:0015356.

Submissions (2):

Ambry Genetics
Classification: Uncertain significance for Hereditary cancer-predisposing syndrome. Last evaluated: 2024-11-24. Review status: criteria provided, single submitter. Criteria: Ambry Variant Classification Scheme 2023. Collection method: clinical testing. Allele origin: germline.
Comment: The p.E1243D variant (also known as c.3729A>C), located in coding exon 24 of the RAD50 gene, results from an A to C substitution at nucleotide position 3729. The glutamic acid at codon 1243 is replaced by aspartic acid, an amino acid with highly similar properties. This amino acid position is conserved on limited sequence alignment. In addition, this alteration is predicted to be tolerated by in silico analysis. Since supporting evidence is limited at this time, the clinical significance of this alteration remains unclear.

Labcorp Genetics (formerly Invitae), Labcorp
Classification: Uncertain significance for Hereditary cancer-predisposing syndrome. Last evaluated: 2023-09-27. Review status: criteria provided, single submitter. Criteria: Invitae Variant Classification Sherloc (09022015). Collection method: clinical testing. Allele origin: germline.
Comment: Advanced modeling of protein sequence and biophysical properties (such as structural, functional, and spatial information, amino acid conservation, physicochemical variation, residue mobility, and thermodynamic stability) performed at Invitae indicates that this missense variant is not expected to disrupt RAD50 protein function. In summary, the available evidence is currently insufficient to determine the role of this variant in disease. Therefore, it has been classified as a Variant of Uncertain Significance. ClinVar contains an entry for this variant (Variation ID: 484678). This variant has not been reported in the literature in individuals affected with RAD50-related conditions. This variant is not present in population databases (gnomAD no frequency). This sequence change replaces glutamic acid, which is acidic and polar, with aspartic acid, which is acidic and polar, at codon 1243 of the RAD50 protein (p.Glu1243Asp).